The following is an entry in ClinVar:

ClinVar aggregate classification (germline): Uncertain significance (1 of 4 stars; one submission).

Submission:

Labcorp Genetics (formerly Invitae), Labcorp
Classification: Uncertain significance. Last evaluated: 2025-12-22. Review status: criteria provided, single submitter. Criteria: Invitae Variant Classification Sherloc (09022015). Collection method: clinical testing. Allele origin: germline.
Comment: This sequence change replaces isoleucine, which is neutral and non-polar, with valine, which is neutral and non-polar, at codon 91 of the SCN3A protein (p.Ile91Val). This variant is not present in population databases (gnomAD no frequency). This variant has not been reported in the literature in individuals affected with SCN3A-related conditions. Invitae Evidence Modeling of protein sequence and biophysical properties (such as structural, functional, and spatial information, amino acid conservation, physicochemical variation, residue mobility, and thermodynamic stability) indicates that this missense variant is not expected to disrupt SCN3A protein function with a negative predictive value of 80%. In summary, the available evidence is currently insufficient to determine the role of this variant in disease. Therefore, it has been classified as a Variant of Uncertain Significance.

NM_006922.4(SCN3A):c.271A>G (p.Ile91Val)

Gene: SCN3A (sodium voltage-gated channel alpha subunit 3; minus strand). Cytogenetic location: 2q24.3.
Variant type: single nucleotide variant.
Coding change: c.271A>G on transcript NM_006922.4 (MANE Select); coding-DNA position 271, A replaced by G.
Protein change: p.Ile91Val; replaces isoleucine 91 with valine.
Molecular consequence: missense variant.
Genome position (GRCh38, 1-based): chr2:165,170,542, T>C on the plus strand (A>G on the coding strand, the complement: SCN3A is on the minus strand). VCF-style: chr2-165170542-T-C. GRCh37 (hg19) VCF-style: chr2-166027052-T-C.
Other names: c.271A>G, p.Ile91Val (NM_001081676.2, NM_001081677.2); short protein forms I91V.
Identifiers: ClinVar variation 4803686 (VCV004803686.1).